The following is an entry in ClinVar:

ClinVar aggregate classification (germline): Pathogenic (1 of 4 stars; one submission).

Conditions:
Fanconi anemia complementation group J. Also called: BRIP1-Related Fanconi Anemia. Identifiers: Orphanet 84, MedGen C1836860, MONDO:0012187, OMIM 609054.
Familial cancer of breast. Also called: BREAST CANCER, FAMILIAL; hereditary breast carcinoma; Hereditary breast cancer. Identifiers: Orphanet 227535, MedGen C0346153, MONDO:0016419, OMIM 114480. Disease mechanism: loss of function.

Submission:

Labcorp Genetics (formerly Invitae), Labcorp
Classification: Pathogenic for Familial cancer of breast; Fanconi anemia complementation group J. Last evaluated: 2020-03-11. Review status: criteria provided, single submitter. Criteria: Invitae Variant Classification Sherloc (09022015). Collection method: clinical testing. Allele origin: germline.
Comment: This sequence change creates a premature translational stop signal (p.Leu570*) in the BRIP1 gene. It is expected to result in an absent or disrupted protein product. This variant is not present in population databases (ExAC no frequency). This variant has not been reported in the literature in individuals with BRIP1-related conditions. Loss-of-function variants in BRIP1 are known to be pathogenic (PMID: 16116423, 17033622, 21964575). For these reasons, this variant has been classified as Pathogenic.

Literature cited by the submitters: PubMed 16116423; PubMed 17033622; PubMed 21964575.

NM_032043.3(BRIP1):c.1709T>A (p.Leu570Ter)

Gene: BRIP1 (BRCA1 interacting DNA helicase 1; minus strand). Cytogenetic location: 17q23.2.
Variant type: single nucleotide variant.
Coding change: c.1709T>A on transcript NM_032043.3 (MANE Select); coding-DNA position 1709, T replaced by A.
Protein change: p.Leu570Ter; replaces leucine 570 with a stop codon.
Molecular consequence: nonsense.
Genome position (GRCh38, 1-based): chr17:61,780,925, A>T on the plus strand (T>A on the coding strand, the complement: BRIP1 is on the minus strand). VCF-style: chr17-61780925-A-T. GRCh37 (hg19) VCF-style: chr17-59858286-A-T.
Other names: short protein forms L570*.
Identifiers: ClinVar variation 1073805 (VCV001073805.8), dbSNP rs2077609103, ClinGen allele CA400480414.
Genomic context (GRCh38, chr17:61,780,925, plus strand): 5'-TTTAGCACATGAACTGCAGTTTTCTGTCGTGAACGTTTCTTATTTTTTGGTAGAACCAAC[A>T]ACCCATTTTTGTCTGAAATATCAATCTGATTTGTCCAGGAGTAAGTCTGTTGAATCGCAA-3'